The following is an entry in ClinVar:

ClinVar aggregate classification (germline): Uncertain significance (1 of 4 stars; one submission).

Conditions:
Hereditary cancer-predisposing syndrome. Also called: Neoplastic Syndromes, Hereditary; Tumor predisposition; Hereditary neoplastic syndrome; Hereditary Cancer Syndrome. Identifiers: Orphanet 140162, MedGen C0027672, MeSH D009386, MONDO:0015356.

Submission:

Ambry Genetics
Classification: Uncertain significance for Hereditary cancer-predisposing syndrome. Last evaluated: 2026-07-06. Review status: criteria provided, single submitter. Criteria: Ambry Variant Classification Scheme 2023. Collection method: clinical testing. Allele origin: germline.
Comment: The p.D429Y variant (also known as c.1285G>T), located in coding exon 9 of the BMPR1A gene, results from a G to T substitution at nucleotide position 1285. The aspartic acid at codon 429 is replaced by tyrosine, an amino acid with highly dissimilar properties. This amino acid position is conserved. In addition, this alteration is predicted to be deleterious by in silico analysis. Based on the available evidence, the clinical significance of this variant remains unclear.

NM_004329.3(BMPR1A):c.1285G>T (p.Asp429Tyr)

Gene: BMPR1A (bone morphogenetic protein receptor type 1A; plus strand). Cytogenetic location: 10q23.2.
Variant type: single nucleotide variant.
Coding change: c.1285G>T on transcript NM_004329.3 (MANE Select); coding-DNA position 1285, G replaced by T.
Protein change: p.Asp429Tyr; replaces aspartic acid 429 with tyrosine.
Molecular consequence: missense variant. On other transcripts: non-coding transcript variant (3).
Genome position (GRCh38, 1-based): chr10:86,921,638, G>T. VCF-style: chr10-86921638-G-T. GRCh37 (hg19) VCF-style: chr10-88681395-G-T.
Other names: c.1285G>T, p.Asp429Tyr (NM_001406569.1, NM_001406570.1, NM_001406571.1 and 19 more transcripts); c.1360G>T, p.Asp454Tyr (NM_001406559.1); c.1333G>T, p.Asp445Tyr (NM_001406560.1); c.1279G>T, p.Asp427Tyr (NM_001406583.1); c.1201G>T, p.Asp401Tyr (NM_001406584.1, NM_001406585.1, NM_001406586.1 and 2 more transcripts); c.943G>T, p.Asp315Tyr (NM_001406589.1); short protein forms D401Y, D429Y, D315Y, D427Y, D454Y, D445Y.
Identifiers: ClinVar variation 5032965 (VCV005032965.1).
Genomic context (GRCh38, chr10:86,921,638, plus strand): 5'-GCTCCCGAAGTGCTGGACGAAAGCCTGAACAAAAACCACTTCCAGCCCTACATCATGGCT[G>T]ACATCTACAGCTTCGGCCTAATCATTTGGGAGATGGCTCGTCGTTGTATCACAGGAGGTG-3'
Protein context (NP_004320.2, residues 419-439): KNHFQPYIMA[Asp429Tyr]IYSFGLIIWE